The following is an entry in ClinVar:

ClinVar aggregate classification (germline): Conflicting classifications of pathogenicity. Review status: criteria provided, conflicting classifications (1 of 4 stars). 24 submissions from 20 submitters: Uncertain significance (3); Benign (8); Likely benign (6). 7 of the submissions do not count toward it. Last evaluated 2026-09-01.

Conditions:
Dilated cardiomyopathy 1G (CMD1G). Identifiers: Orphanet 154, MedGen C1858763, MONDO:0011400, OMIM 604145.
Autosomal recessive limb-girdle muscular dystrophy type 2J (LGMDR10). Also called: MUSCULAR DYSTROPHY, LIMB-GIRDLE, AUTOSOMAL RECESSIVE 10; Limb-girdle muscular dystrophy, type 2J. Identifiers: Orphanet 140922, MedGen C1837342, MONDO:0012127, OMIM 608807.
TTN-related disorder. Also called: TTN-related disorders; TTN-related condition; TTN-related disease.
Cardiovascular phenotype. Identifiers: MedGen CN230736.
Cardiomyopathy (CMYO). Also called: Cardiomyopathies. Identifiers: Orphanet 167848, MedGen C0878544, MONDO:0004994, HP:0001638. Inheritance: Various modes of inheritance.
Early-onset myopathy with fatal cardiomyopathy (CMYO5). Also called: CONGENITAL MYOPATHY 5 WITH CARDIOMYOPATHY; Salih Myopathy. Identifiers: Orphanet 289377, MedGen C2673677, MONDO:0012714, OMIM 611705. Disease mechanism: loss of function.
Myopathy, myofibrillar, 9, with early respiratory failure (MFM9). Also called: Myopathy, distal, with early respiratory failure, autosomal dominant; Hereditary myopathy with early respiratory failure; MYOPATHY, PROXIMAL, WITH EARLY RESPIRATORY MUSCLE INVOLVEMENT; EDSTROM MYOPATHY. Identifiers: Orphanet 178464, Orphanet 34521, MedGen C1863599, MONDO:0011362, OMIM 603689.
Tibial muscular dystrophy (TMD). Also called: Udd Distal Myopathy – Tibial Muscular Dystrophy; Tibial muscular dystrophy, tardive; UDD MYOPATHY. Identifiers: Orphanet 609, MedGen C1838244, MONDO:0010870, OMIM 600334.

Allele frequency attached by ClinVar (database versions not stated): ExAC 0.00121; gnomAD exomes 0.00140 and 0.00181; TOPMed 0.00206; 1000 Genomes Project 0.00040; 1000 Genomes Project 30x 0.00047; ESP Exome Variant Server 0.00149; gnomAD 0.00166 and 0.00175.
gnomAD v4.1: 2,904 of 1,613,930 alleles (0.18%); highest among the groups gnomAD compares: Admixed American, 0.2%; 5 homozygotes.

Submissions (24):

CeGaT Center for Human Genetics Tuebingen
Classification: Likely benign. Last evaluated: 2026-09-01. Review status: criteria provided, single submitter. Criteria: CeGaT Center For Human Genetics Tuebingen Variant Classification Criteria Version 2. Collection method: clinical testing. Allele origin: germline. Affected: yes. Observed: 29 variant alleles.
Comment: TTN: BP4, BP7

Labcorp Genetics (formerly Invitae), Labcorp
Classification: Benign for Dilated cardiomyopathy 1G; Autosomal recessive limb-girdle muscular dystrophy type 2J. Last evaluated: 2026-02-04. Review status: criteria provided, single submitter. Criteria: Invitae Variant Classification Sherloc (09022015). Collection method: clinical testing. Allele origin: germline.

ARUP Laboratories, Molecular Genetics and Genomics, ARUP Laboratories
Classification: Likely benign. Last evaluated: 2025-05-28. Review status: criteria provided, single submitter. Criteria: ARUP Molecular Germline Variant Investigation Process 2024. Collection method: clinical testing. Allele origin: germline.

Molecular Diagnostic Laboratory for Inherited Cardiovascular Disease, Montreal Heart Institute
Classification: Benign. Last evaluated: 2025-04-09. Review status: criteria provided, single submitter. Criteria: ACMG Guidelines, 2015. Collection method: clinical testing. Allele origin: germline. Affected: no.
Comment: BS1;BP7

Blueprint Genetics
Classification: Likely benign. Last evaluated: 2024-11-11. Review status: criteria provided, single submitter. Criteria: ACMG Guidelines, 2015. Collection method: clinical testing. Allele origin: germline.

Women's Health and Genetics/Laboratory Corporation of America, LabCorp
Classification: Benign. Last evaluated: 2022-03-13. Review status: criteria provided, single submitter. Criteria: LabCorp Variant Classification Summary - May 2015. Collection method: clinical testing. Allele origin: germline.

CHEO Genetics Diagnostic Laboratory, Children's Hospital of Eastern Ontario
Classification: Benign for Cardiomyopathy. Last evaluated: 2019-11-07. Review status: criteria provided, single submitter. Criteria: ACMG Guidelines, 2015. Collection method: clinical testing. Allele origin: germline.

Illumina Laboratory Services, Illumina
Classification: Uncertain significance for Dilated cardiomyopathy 1G. Last evaluated: 2018-01-12. Review status: criteria provided, single submitter. Criteria: ICSL Variant Classification Criteria 13 December 2019. Collection method: clinical testing. Allele origin: germline.

Illumina Laboratory Services, Illumina
Classification: Benign for Tibial muscular dystrophy. Last evaluated: 2018-01-12. Review status: criteria provided, single submitter. Criteria: ICSL Variant Classification Criteria 13 December 2019. Collection method: clinical testing. Allele origin: germline.
Comment: This variant was observed in the ICSL laboratory as part of a predisposition screen in an ostensibly healthy population. It had not been previously curated by ICSL or reported in the Human Gene Mutation Database (HGMD: prior to June 1st, 2018), and was therefore a candidate for classification through an automated scoring system. Utilizing variant allele frequency, disease prevalence and penetrance estimates, and inheritance mode, an automated score was calculated to assess if this variant is too frequent to cause the disease. Based on the score and internal cut-off values, a variant classified as benign is not then subjected to further curation. The score for this variant resulted in a classification of benign for this disease.

Illumina Laboratory Services, Illumina
Classification: Uncertain significance for Autosomal recessive limb-girdle muscular dystrophy type 2J. Last evaluated: 2018-01-12. Review status: criteria provided, single submitter. Criteria: ICSL Variant Classification Criteria 13 December 2019. Collection method: clinical testing. Allele origin: germline.

Illumina Laboratory Services, Illumina
Classification: Uncertain significance for Early-onset myopathy with fatal cardiomyopathy. Last evaluated: 2018-01-12. Review status: criteria provided, single submitter. Criteria: ICSL Variant Classification Criteria 13 December 2019. Collection method: clinical testing. Allele origin: germline.

Illumina Laboratory Services, Illumina
Classification: Benign for Myopathy, myofibrillar, 9, with early respiratory failure. Last evaluated: 2018-01-12. Review status: criteria provided, single submitter. Criteria: ICSL Variant Classification Criteria 13 December 2019. Collection method: clinical testing. Allele origin: germline.
Comment: the same text as in the submission from Illumina Laboratory Services, Illumina above.

Athena Diagnostics
Classification: Benign. Last evaluated: 2017-06-05. Review status: criteria provided, single submitter. Criteria: Athena Diagnostics Criteria. Collection method: clinical testing. Allele origin: germline.

Eurofins Ntd Llc (ga)
Classification: Likely benign. Last evaluated: 2016-07-19. Review status: criteria provided, single submitter. Criteria: EGL Classification Definitions 2015. Collection method: clinical testing. Allele origin: germline. Observed: 1 variant allele, 1 heterozygote.

Laboratory for Molecular Medicine, Mass General Brigham Personalized Medicine
Classification: Likely benign. Last evaluated: 2015-09-16. Review status: criteria provided, single submitter. Criteria: LMM Criteria. Collection method: clinical testing. Allele origin: germline. Observed: 10 variant alleles.
Comment: p.Ile32090Ile in exon 311 of TTN: This variant is not expected to have clinical significance because it does not alter an amino acid residue and is not located within the splice consensus sequence. It has been identified in 0.2% (117/66666) of European chromosomes by the Exome Aggregation Consortium (ExAC.; dbSNP rs199714102)

GeneDx
Classification: Benign. Last evaluated: 2014-04-04. Review status: criteria provided, single submitter. Criteria: GeneDx Variant Classification (06012015). Collection method: clinical testing. Allele origin: germline. Affected: yes.
Comment: This variant is considered likely benign or benign based on one or more of the following criteria: it is a conservative change, it occurs at a poorly conserved position in the protein, it is predicted to be benign by multiple in silico algorithms, and/or has population frequency not consistent with disease.

Ambry Genetics
Classification: Likely benign for Cardiovascular phenotype. Last evaluated: 2013-01-23. Review status: criteria provided, single submitter. Criteria: Ambry Autosomal Dominant and X-Linked criteria (10/2015). Collection method: clinical testing. Allele origin: germline. Observed: 1 variant allele.

PreventionGenetics, part of Exact Sciences
Classification: Benign for TTN-related condition. Last evaluated: 2021-01-18. Review status: no assertion criteria provided. Collection method: clinical testing. Allele origin: germline. Not counted in ClinVar's aggregate classification.
Comment: This variant is classified as benign based on ACMG/AMP sequence variant interpretation guidelines (Richards et al. 2015 PMID: 25741868, with internal and published modifications).

Clinical Genetics DNA and cytogenetics Diagnostics Lab, Erasmus MC, Erasmus Medical Center
Classification: Likely benign. Review status: no assertion criteria provided. Collection method: clinical testing. Allele origin: germline. Affected: yes. Study: VKGL Data-share Consensus. Not counted in ClinVar's aggregate classification.

Clinical Genetics, Academic Medical Center
Classification: Benign. Review status: no assertion criteria provided. Collection method: clinical testing. Allele origin: germline. Affected: yes. Study: VKGL Data-share Consensus. Not counted in ClinVar's aggregate classification.

Diagnostic Laboratory, Department of Genetics, University Medical Center Groningen
Classification: Likely benign. Review status: no assertion criteria provided. Collection method: clinical testing. Allele origin: germline. Affected: yes. Study: VKGL Data-share Consensus. Not counted in ClinVar's aggregate classification.

Genome Diagnostics Laboratory, University Medical Center Utrecht
Classification: Benign. Review status: no assertion criteria provided. Collection method: clinical testing. Allele origin: germline. Affected: yes. Study: VKGL Data-share Consensus. Not counted in ClinVar's aggregate classification.

Joint Genome Diagnostic Labs from Nijmegen and Maastricht, Radboudumc and MUMC+
Classification: Benign. Review status: no assertion criteria provided. Collection method: clinical testing. Allele origin: germline. Affected: yes. Study: VKGL Data-share Consensus. Not counted in ClinVar's aggregate classification.

Laboratory of Diagnostic Genome Analysis, Leiden University Medical Center (LUMC)
Classification: Likely benign. Review status: no assertion criteria provided. Collection method: clinical testing. Allele origin: germline. Affected: yes. Study: VKGL Data-share Consensus. Not counted in ClinVar's aggregate classification.

NM_001267550.2(TTN):c.103974C>T (p.Ile34658=)

Genes: TTN (titin; minus strand), TTN-AS1 (TTN antisense RNA 1; plus strand). Cytogenetic location: 2q31.2.
Variant type: single nucleotide variant.
Coding change: c.103974C>T on transcript NM_001267550.2 (MANE Select); coding-DNA position 103974, C replaced by T.
Protein change: p.Ile34658=; no amino-acid change (isoleucine 34658 retained).
Molecular consequence: synonymous variant.
Genome position (GRCh38, 1-based): chr2:178,532,641, G>A on the plus strand (C>T on the coding strand, the complement: TTN is on the minus strand). VCF-style: chr2-178532641-G-A. GRCh37 (hg19) VCF-style: chr2-179397368-G-A.
Other names: p.I33017I:ATC>ATT; c.99051C>T, p.Ile33017= (NM_001256850.1); c.76779C>T, p.Ile25593= (NM_003319.4); c.96270C>T, p.Ile32090= (NM_133378.4); c.77154C>T, p.Ile25718= (NM_133432.3); c.77355C>T, p.Ile25785= (NM_133437.4).
Identifiers: ClinVar variation 47665 (VCV000047665.69), dbSNP rs199714102, ClinGen allele CA284281.